The following is an entry in ClinVar:

ClinVar aggregate classification (germline): Benign/Likely benign. Review status: criteria provided, multiple submitters, no conflicts (2 of 4 stars). 3 submissions from 3 submitters: Benign (1); Likely benign (2). Last evaluated 2026-04-01.

Allele frequency attached by ClinVar (database versions not stated): gnomAD exomes 0.00043 and 0.00061; TOPMed 0.00049; gnomAD 0.00050 and 0.00051; ExAC 0.00052; ESP Exome Variant Server 0.00054.
gnomAD v4.1: 734 of 1,610,566 alleles (0.046%); highest among the groups gnomAD compares: Non-Finnish European, 0.023%; no homozygotes.

Submissions (3):

CeGaT Center for Human Genetics Tuebingen
Classification: Likely benign. Last evaluated: 2026-04-01. Review status: criteria provided, single submitter. Criteria: CeGaT Center For Human Genetics Tuebingen Variant Classification Criteria Version 2. Collection method: clinical testing. Allele origin: germline. Affected: yes. Observed: 2 variant alleles.
Comment: EFTUD2: BP4, BP7

Labcorp Genetics (formerly Invitae), Labcorp
Classification: Benign. Last evaluated: 2025-12-02. Review status: criteria provided, single submitter. Criteria: Invitae Variant Classification Sherloc (09022015). Collection method: clinical testing. Allele origin: germline.

Blueprint Genetics
Classification: Likely benign. Last evaluated: 2024-08-22. Review status: criteria provided, single submitter. Criteria: ACMG Guidelines, 2015. Collection method: clinical testing. Allele origin: germline.

NM_004247.4(EFTUD2):c.1617C>T (p.Ile539=)

Gene: EFTUD2 (elongation factor Tu GTP binding domain containing 2; minus strand). Cytogenetic location: 17q21.31.
Variant type: single nucleotide variant.
Coding change: c.1617C>T on transcript NM_004247.4 (MANE Select); coding-DNA position 1617, C replaced by T.
Protein change: p.Ile539=; no amino-acid change (isoleucine 539 retained).
Molecular consequence: synonymous variant.
Genome position (GRCh38, 1-based): chr17:44,860,534, G>A on the plus strand (C>T on the coding strand, the complement: EFTUD2 is on the minus strand). VCF-style: chr17-44860534-G-A. GRCh37 (hg19) VCF-style: chr17-42937902-G-A.
Other names: c.1512C>T, p.Ile504= (NM_001142605.2); c.1617C>T, p.Ile539= (NM_001258353.2); c.1587C>T, p.Ile529= (NM_001258354.2).
Identifiers: ClinVar variation 751490 (VCV000751490.33), dbSNP rs199999322, ClinGen allele CA8607719.